The following is an entry in ClinVar:

ClinVar aggregate classification (germline): Uncertain significance (1 of 4 stars; one submission).

Conditions:
Hyperphosphatasia with intellectual disability syndrome 5 (GPIBD11). Also called: GLYCOSYLPHOSPHATIDYLINOSITOL BIOSYNTHESIS DEFECT 11. Identifiers: Orphanet 247262, MedGen C4014958, MONDO:0014457, OMIM 616025.

Allele frequency attached by ClinVar (database versions not stated): TOPMed 0.00003; gnomAD 0.00005.
gnomAD v4.1: 7 of 1,614,086 alleles (0.00043%); highest among the groups gnomAD compares: African/African-American, 0.0093%; no homozygotes.

Submission:

Labcorp Genetics (formerly Invitae), Labcorp
Classification: Uncertain significance for Hyperphosphatasia with intellectual disability syndrome 5. Last evaluated: 2022-06-28. Review status: criteria provided, single submitter. Criteria: Invitae Variant Classification Sherloc (09022015). Collection method: clinical testing. Allele origin: germline.
Comment: This sequence change replaces histidine, which is basic and polar, with arginine, which is basic and polar, at codon 228 of the PIGW protein (p.His228Arg). This variant is present in population databases (no rsID available, gnomAD 0.02%). This variant has not been reported in the literature in individuals affected with PIGW-related conditions. Algorithms developed to predict the effect of missense changes on protein structure and function are either unavailable or do not agree on the potential impact of this missense change (SIFT: "Deleterious"; PolyPhen-2: "Probably Damaging"; Align-GVGD: "Class C0"). In summary, the available evidence is currently insufficient to determine the role of this variant in disease. Therefore, it has been classified as a Variant of Uncertain Significance.

NM_001346754.2(PIGW):c.683A>G (p.His228Arg)

Genes: MYO19 (myosin XIX; minus strand), PIGW (phosphatidylinositol glycan anchor biosynthesis class W; plus strand). Cytogenetic location: 17q12.
Variant type: single nucleotide variant.
Coding change: c.683A>G on transcript NM_001346754.2 (MANE Select); coding-DNA position 683, A replaced by G.
Protein change: p.His228Arg; replaces histidine 228 with arginine.
Molecular consequence: missense variant.
Genome position (GRCh38, 1-based): chr17:36,537,784, A>G. VCF-style: chr17-36537784-A-G. GRCh37 (hg19) VCF-style: chr17-34893633-A-G.
Other names: c.683A>G, p.His228Arg (NM_001346755.2, NM_178517.5); short protein forms H228R.
Identifiers: ClinVar variation 1981103 (VCV001981103.1), dbSNP rs1398380218, ClinGen allele CA399163222.